The following is an entry in ClinVar:

NM_033641.4(COL4A6):c.120G>C (p.Gln40His)

Gene: COL4A6 (collagen type IV alpha 6 chain; minus strand). Cytogenetic location: Xq22.3.
Variant type: single nucleotide variant.
Coding change: c.120G>C on transcript NM_033641.4 (MANE Select); coding-DNA position 120, G replaced by C.
Protein change: p.Gln40His; replaces glutamine 40 with histidine.
Molecular consequence: missense variant.
Genome position (GRCh38, 1-based): chrX:108,310,772, C>G on the plus strand (G>C on the coding strand, the complement: COL4A6 is on the minus strand). VCF-style: chrX-108310772-C-G. GRCh37 (hg19) VCF-style: chrX-107554002-C-G.
Other names: c.120G>C, p.Gln40His (NM_001287758.2, NM_001287759.2, NM_001287760.2); c.123G>C, p.Gln41His (NM_001847.4); short protein forms Q40H, Q41H.
Identifiers: ClinVar variation 2226599 (VCV002226599.3), dbSNP rs1240135880, ClinGen allele CA413905521.
Genomic context (GRCh38, chrX:108,310,772, plus strand): 5'-ACTATTTGTCTTTCAACAATGAAATAAGCAACTTACTCTCGCTCCTTTCTCAGGAAAACA[C>G]TGACAGCTCCCACTGCAGTCCTGGCCCCCACATGGCTTTCCATAAGACTTCTCTCCCTAT-3'
Protein context (NP_378667.1, residues 30-50): CGGQDCSGSC[Gln40His]CFPEKGARGR

ClinVar aggregate classification (germline): Uncertain significance. Review status: criteria provided, multiple submitters, no conflicts (2 of 4 stars). 2 submissions from 2 submitters: Uncertain significance (2). Last evaluated 2025-04-01.

Allele frequency attached by ClinVar (database versions not stated): gnomAD 0.00001; TOPMed 0.00001; gnomAD exomes 0.00002.
gnomAD v4.1: 20 of 1,208,820 alleles (0.0017%); highest among the groups gnomAD compares: Non-Finnish European, 0.002%; no homozygotes.

Submissions (2):

Labcorp Genetics (formerly Invitae), Labcorp
Classification: Uncertain significance. Last evaluated: 2025-04-01. Review status: criteria provided, single submitter. Criteria: Invitae Variant Classification Sherloc (09022015). Collection method: clinical testing. Allele origin: germline.
Comment: This sequence change replaces glutamine, which is neutral and polar, with histidine, which is basic and polar, at codon 41 of the COL4A6 protein (p.Gln41His). This variant is present in population databases (no rsID available, gnomAD 0.005%). This variant has not been reported in the literature in individuals affected with COL4A6-related conditions. ClinVar contains an entry for this variant (Variation ID: 2226599). Invitae Evidence Modeling of protein sequence and biophysical properties (such as structural, functional, and spatial information, amino acid conservation, physicochemical variation, residue mobility, and thermodynamic stability) indicates that this missense variant is not expected to disrupt COL4A6 protein function with a negative predictive value of 80%. In summary, the available evidence is currently insufficient to determine the role of this variant in disease. Therefore, it has been classified as a Variant of Uncertain Significance.

Ambry Genetics
Classification: Uncertain significance. Last evaluated: 2021-09-27. Review status: criteria provided, single submitter. Criteria: Ambry Variant Classification Scheme 2023. Collection method: clinical testing. Allele origin: germline.